The following is an entry in ClinVar:

NM_001037333.3(CYFIP2):c.3353T>C (p.Met1118Thr)

Genes: NIPAL4-DT (NIPAL4 divergent transcript; minus strand), CYFIP2 (cytoplasmic FMR1 interacting protein 2; plus strand). Cytogenetic location: 5q33.3.
Variant type: single nucleotide variant.
Coding change: c.3353T>C on transcript NM_001037333.3 (MANE Select); coding-DNA position 3353, T replaced by C.
Protein change: p.Met1118Thr; replaces methionine 1118 with threonine.
Molecular consequence: missense variant.
Genome position (GRCh38, 1-based): chr5:157,389,334, T>C. VCF-style: chr5-157389334-T-C. GRCh37 (hg19) VCF-style: chr5-156816342-T-C.
Other names: c.3275T>C, p.Met1092Thr (NM_001291721.2); c.3428T>C, p.Met1143Thr (NM_001291722.2); c.3353T>C, p.Met1118Thr (NM_014376.4); short protein forms M1092T, M1118T, M1143T.
Identifiers: ClinVar variation 1311540 (VCV001311540.2), dbSNP rs2113550515, ClinGen allele CA361982200.
Genomic context (GRCh38, chr5:157,389,334, plus strand): 5'-GCATTCGGAGCTACCTGCAGGACCCCATCTGGCGGGGCCCACCGCCCACCAATGGCGTCA[T>C]GCACGTCGATGAGTGTGTGGAGTTCCACCGGCTGTGGAGCGCCATGCAGTTCGTGTACTG-3'
Protein context (NP_001032410.1, residues 1108-1128): WRGPPPTNGV[Met1118Thr]HVDECVEFHR

ClinVar aggregate classification (germline): Uncertain significance (1 of 4 stars; one submission).

Allele frequency attached by ClinVar (database versions not stated): gnomAD exomes below 0.00001.

Submission:

GeneDx
Classification: Uncertain significance. Last evaluated: 2020-10-07. Review status: criteria provided, single submitter. Criteria: GeneDx Variant Classification Process June 2021. Collection method: clinical testing. Allele origin: germline. Affected: yes.
Comment: Not observed in large population cohorts (Lek et al., 2016); In silico analysis, which includes protein predictors and evolutionary conservation, supports a deleterious effect; Has not been previously published as pathogenic or benign to our knowledge